The following is an entry in ClinVar:

ClinVar aggregate classification (germline): Uncertain significance (1 of 4 stars; one submission).

Conditions:
Lethal congenital glycogen storage disease of heart. Also called: PHOSPHORYLASE KINASE DEFICIENCY OF HEART; GLYCOGEN STORAGE DISEASE OF HEART. Identifiers: Orphanet 439854, MedGen C1849813, MONDO:0009867, OMIM 261740.

Submission:

Labcorp Genetics (formerly Invitae), Labcorp
Classification: Uncertain significance for Lethal congenital glycogen storage disease of heart. Last evaluated: 2023-11-17. Review status: criteria provided, single submitter. Criteria: Invitae Variant Classification Sherloc (09022015). Collection method: clinical testing. Allele origin: germline.
Comment: This sequence change creates a premature translational stop signal (p.Pro198Argfs*56) in the PRKAG2 gene. It is expected to result in an absent or disrupted protein product. However, the current clinical and genetic evidence is not sufficient to establish whether loss-of-function variants in PRKAG2 cause disease. This variant is not present in population databases (gnomAD no frequency). This variant has not been reported in the literature in individuals affected with PRKAG2-related conditions. In summary, the available evidence is currently insufficient to determine the role of this variant in disease. Therefore, it has been classified as a Variant of Uncertain Significance.

NM_016203.4(PRKAG2):c.593del (p.Pro198fs)

Gene: PRKAG2 (protein kinase AMP-activated non-catalytic subunit gamma 2; minus strand). Cytogenetic location: 7q36.1.
Variant type: Deletion.
Coding change: c.593del on transcript NM_016203.4 (MANE Select); coding-DNA position 593, one base deleted (C; older notation c.593delC).
Protein change: p.Pro198fs; shifts the reading frame from proline 198.
Molecular consequence: frameshift variant. On other transcripts: intron variant (5).
Genome position (GRCh38, 1-based): chr7:151,675,511, G deleted on the plus strand (C on the coding strand, the reverse complement: PRKAG2 is on the minus strand); the first of 7 consecutive G bases (chr7:151,675,511-151,675,517); deleting any one gives the same sequence. VCF-style (leftmost placement, unchanged base first): chr7-151675510-CG-C. GRCh37 (hg19) VCF-style: chr7-151372596-CG-C.
Other names: c.461del, p.Pro154fs (NM_001040633.2, NM_001407024.1, NM_001407026.1 and 1 more transcripts); c.221del, p.Pro74fs (NM_001304527.2, NM_001363698.2, NM_001407028.1 and 1 more transcripts); c.593del, p.Pro198fs (NM_001407021.1, NM_001407022.1, NM_001407023.1); c.275del, p.Pro92fs (NM_001407032.1); c.467-80060del (NM_001407031.1); c.467-80057del (NM_001407030.1); c.361-43373del (NM_001407033.1); c.94+60389del (NM_001407037.1); and 1 more; short protein forms P154fs, P92fs, P198fs, P74fs.
Identifiers: ClinVar variation 2902216 (VCV002902216.3), dbSNP rs397517275, ClinGen allele CA645554816.
Genomic context (GRCh38, chr7:151,675,510, plus strand): 5'-TGCCAGTGGAGGCCTGGTCGGGCTCTGGAAGGAAGACGGGCAGAACCTCTGCCCTGTGTC[CG>C]GGGGGGAAGACGAGGCATAGATGCGATTCTCTAACCGTTCAGGCTCGTGCTTATAGGATT-3'